The following is an entry in ClinVar:

NM_007078.3(LDB3):c.914C>A (p.Ala305Glu)

Gene: LDB3 (LIM domain binding 3; plus strand). Cytogenetic location: 10q23.2.
Variant type: single nucleotide variant.
Coding change: c.914C>A on transcript NM_007078.3 (MANE Select); coding-DNA position 914, C replaced by A.
Protein change: p.Ala305Glu; replaces alanine 305 with glutamic acid.
Molecular consequence: missense variant. On other transcripts: intron variant (4).
Genome position (GRCh38, 1-based): chr10:86,706,548, C>A. VCF-style: chr10-86706548-C-A. GRCh37 (hg19) VCF-style: chr10-88466305-C-A.
Other names: c.773C>A, p.Ala258Glu (NM_001368066.1); c.897-3357C>A (NM_001368064.1, NM_001368065.1); c.1101-3357C>A (NM_001171610.2); c.756-3357C>A (NM_001080114.2); short protein forms A258E, A305E.
Identifiers: ClinVar variation 965576 (VCV000965576.15), dbSNP rs544084461, ClinGen allele CA5585012.

ClinVar aggregate classification (germline): Uncertain significance. Review status: criteria provided, multiple submitters, no conflicts (2 of 4 stars). 3 submissions from 3 submitters: Uncertain significance (3). Last evaluated 2024-09-24.

Conditions:
Myofibrillar myopathy 4. Also called: Zaspopathy (type). Identifiers: Orphanet 98912, MedGen C4721886, MONDO:0012277, OMIM 609452.
Cardiovascular phenotype. Identifiers: MedGen CN230736.

Allele frequency attached by ClinVar (database versions not stated): gnomAD 0.00001; TOPMed 0.00001.
gnomAD v4.1: 9 of 1,612,598 alleles (0.00056%); highest among the groups gnomAD compares: Admixed American, 0.0017%; no homozygotes.

Submissions (3):

Ambry Genetics
Classification: Uncertain significance for Cardiovascular phenotype. Last evaluated: 2024-09-24. Review status: criteria provided, single submitter. Criteria: Ambry Variant Classification Scheme 2023. Collection method: clinical testing. Allele origin: germline.

Labcorp Genetics (formerly Invitae), Labcorp
Classification: Uncertain significance for Myofibrillar myopathy 4. Last evaluated: 2024-05-31. Review status: criteria provided, single submitter. Criteria: Invitae Variant Classification Sherloc (09022015). Collection method: clinical testing. Allele origin: germline.
Comment: The LDB3 gene has multiple clinically relevant transcripts. This variant occurs in alternate transcript NM_007078.3, and corresponds to NM_001080116.1:c.*7174C>A in the primary transcript. This sequence change replaces alanine, which is neutral and non-polar, with glutamic acid, which is acidic and polar, at codon 305 of the LDB3 protein (p.Ala305Glu). This variant is present in population databases (rs544084461, gnomAD 0.003%). This variant has not been reported in the literature in individuals affected with LDB3-related conditions. ClinVar contains an entry for this variant (Variation ID: 965576). Experimental studies and prediction algorithms are not available or were not evaluated, and the functional significance of this variant is currently unknown. In summary, the available evidence is currently insufficient to determine the role of this variant in disease. Therefore, it has been classified as a Variant of Uncertain Significance.

Blueprint Genetics
Classification: Uncertain significance. Last evaluated: 2021-03-31. Review status: criteria provided, single submitter. Criteria: ACMG Guidelines, 2015. Collection method: clinical testing. Allele origin: germline.